The following is an entry in ClinVar:

NM_005562.3(LAMC2):c.2220+1G>A

Gene: LAMC2 (laminin subunit gamma 2; plus strand). Cytogenetic location: 1q25.3.
Variant type: single nucleotide variant.
Coding change: c.2220+1G>A on transcript NM_005562.3 (MANE Select); the canonical splice donor site of the intron after coding-DNA position 2220, G replaced by A.
Molecular consequence: splice donor variant.
Genome position (GRCh38, 1-based): chr1:183,232,858, G>A. VCF-style: chr1-183232858-G-A. GRCh37 (hg19) VCF-style: chr1-183201993-G-A.
Other names: c.2220+1G>A (NM_018891.3).
Identifiers: ClinVar variation 4989295 (VCV004989295.1).

ClinVar aggregate classification (germline): Likely pathogenic (1 of 4 stars; one submission).

Conditions:
LAMC2-related disorder. Also called: LAMC2-related condition.

Submission:

PreventionGenetics, part of Exact Sciences
Classification: Likely pathogenic for LAMC2-related condition. Last evaluated: 2026-01-29. Review status: criteria provided, single submitter. Criteria: ACMG Guidelines, 2015. Collection method: clinical testing. Allele origin: germline.
Comment: The LAMC2 c.2220+1G>A variant is predicted to disrupt the GT donor site and interfere with normal splicing. To our knowledge, this variant has not been reported in the literature or in a large population database (gnomAD), indicating this variant is rare. Variants that disrupt the consensus splice donor site in LAMC2 are expected to be pathogenic. This variant is interpreted as likely pathogenic.